The following is an entry in ClinVar:

NM_000350.3(ABCA4):c.4849-1G>A

Genes: ABCA4 (ATP binding cassette subfamily A member 4; minus strand), LOC126805793 (CDK7 strongly-dependent group 2 enhancer GRCh37_chr1:94486302-94487501; plus strand). Cytogenetic location: 1p22.1.
Variant type: single nucleotide variant.
Coding change: c.4849-1G>A on transcript NM_000350.3 (MANE Select); the canonical splice acceptor site of the intron before coding-DNA position 4849, G replaced by A.
Molecular consequence: splice acceptor variant.
Genome position (GRCh38, 1-based): chr1:94,021,410, C>T on the plus strand (G>A on the coding strand, the complement: ABCA4 is on the minus strand). VCF-style: chr1-94021410-C-T. GRCh37 (hg19) VCF-style: chr1-94486966-C-T.
Identifiers: ClinVar variation 866320 (VCV000866320.19), dbSNP rs61750156, ClinGen allele CA957439.

ClinVar aggregate classification (germline): Pathogenic/Likely pathogenic. Review status: criteria provided, multiple submitters, no conflicts (2 of 4 stars). 6 submissions from 6 submitters: Pathogenic (4); Likely pathogenic (1). 1 of the submissions does not count toward it. Last evaluated 2026-08-24.

Conditions:
ABCA4-related disorder. Also called: ABCA4-related condition; ABCA4-related disorders. Identifiers: MedGen CN239167.
Severe early-childhood-onset retinal dystrophy (STGD1). Also called: Stargardt macular dystrophy; Juvenile onset macular degeneration; Stargardt disease 1; MACULAR DYSTROPHY WITH FLECKS, TYPE 1; STGD. Identifiers: Orphanet 364055, Orphanet 827, MedGen C1855465, MeSH D000080362, MONDO:0009549, OMIM 248200.
Cone-rod dystrophy 3 (CORD3). Identifiers: Orphanet 1872, MedGen C1858806, MONDO:0011395, OMIM 604116.
Retinitis pigmentosa 19 (RP19). Also called: ABCA4-Related Retinitis Pigmentosa. Identifiers: Orphanet 791, MedGen C1866422, MONDO:0011137, OMIM 601718.
Age related macular degeneration 2. Also called: MACULAR DEGENERATION, SENILE; MACULOPATHY, AGE-RELATED, 2; MACULOPATHY, AGE-RELATED. Identifiers: MedGen C3495438, MONDO:0007932, OMIM 153800.

Allele frequency attached by ClinVar (database versions not stated): gnomAD exomes 0.00002 and 0.00001; TOPMed below 0.00001; gnomAD 0.00001; ExAC 0.00004.

Submissions (6):

PreventionGenetics, part of Exact Sciences
Classification: Pathogenic for ABCA4-related condition. Last evaluated: 2026-08-24. Review status: criteria provided, single submitter. Criteria: ACMG Guidelines, 2015. Collection method: clinical testing. Allele origin: germline.
Comment: The ABCA4 c.4849-1G>A variant is predicted to disrupt the AG splice acceptor site and interfere with normal splicing. This variant has been reported in the compound heterozygous state in an individual with Stargardt disease (supplementary table 1, Chacon-Camacho et al. 2024. PubMed ID: 39162841). This variant is reported in 0.0058% of alleles in individuals of Latino descent in gnomAD. Variants that disrupt the consensus splice acceptor site in ABCA4 are expected to be pathogenic. This variant is interpreted as pathogenic.

Labcorp Genetics (formerly Invitae), Labcorp
Classification: Pathogenic. Last evaluated: 2026-01-01. Review status: criteria provided, single submitter. Criteria: Invitae Variant Classification Sherloc (09022015). Collection method: clinical testing. Allele origin: germline.
Comment: This sequence change affects an acceptor splice site in intron 34 of the ABCA4 gene. It is expected to disrupt RNA splicing. Variants that disrupt the donor or acceptor splice site typically lead to a loss of protein function (PMID: 16199547), and loss-of-function variants in ABCA4 are known to be pathogenic (PMID: 10958761, 24938718, 25312043, 26780318). This variant is present in population databases (rs61750156, gnomAD 0.006%). Disruption of this splice site has been observed in individuals with ABCA4-related conditions (internal data). ClinVar contains an entry for this variant (Variation ID: 866320). Algorithms developed to predict the effect of sequence changes on RNA splicing suggest that this variant may disrupt the consensus splice site. For these reasons, this variant has been classified as Pathogenic.

Blueprint Genetics
Classification: Pathogenic for ABCA4-related disorders. Last evaluated: 2024-09-21. Review status: criteria provided, single submitter. Criteria: ACMG Guidelines, 2015. Collection method: clinical testing. Allele origin: germline. Affected: yes. Observed: 5 variant alleles.

Fulgent Genetics
Classification: Likely pathogenic for Age related macular degeneration 2; Severe early-childhood-onset retinal dystrophy; Retinitis pigmentosa 19; Cone-rod dystrophy 3. Last evaluated: 2024-04-02. Review status: criteria provided, single submitter. Criteria: ACMG Guidelines, 2015. Collection method: clinical testing. Allele origin: germline.

GeneDx
Classification: Pathogenic. Last evaluated: 2019-05-07. Review status: criteria provided, single submitter. Criteria: GeneDx Variant Classification Process June 2021. Collection method: clinical testing. Allele origin: germline. Affected: yes.
Comment: Canonical splice site variant in a gene for which loss-of-function is a known mechanism of disease; Has not been previously published as pathogenic or benign to our knowledge

Ophthalmo-Genetics Lab, Instituto de Oftalmologia Conde de Valenciana
Classification: Pathogenic for Severe early-childhood-onset retinal dystrophy. Review status: no assertion criteria provided. Collection method: research. Allele origin: germline. Inheritance: Autosomal recessive inheritance. Affected: yes. Not counted in ClinVar's aggregate classification.

Literature cited by the submitters: PubMed 16199547 (cited by Labcorp Genetics (formerly Invitae), Labcorp); PubMed 10958761 (cited by Labcorp Genetics (formerly Invitae), Labcorp); PubMed 24938718 (cited by Labcorp Genetics (formerly Invitae), Labcorp); PubMed 25312043 (cited by Labcorp Genetics (formerly Invitae), Labcorp); PubMed 26780318 (cited by Labcorp Genetics (formerly Invitae), Labcorp and Ophthalmo-Genetics Lab, Instituto de Oftalmologia Conde de Valenciana).